The following is an entry in ClinVar:

NM_006030.4(CACNA2D2):c.1846-1G>A

Gene: CACNA2D2 (calcium voltage-gated channel auxiliary subunit alpha2delta 2; minus strand). Cytogenetic location: 3p21.31.
Variant type: single nucleotide variant.
Coding change: c.1846-1G>A on transcript NM_006030.4 (MANE Select); the canonical splice acceptor site of the intron before coding-DNA position 1846, G replaced by A.
Molecular consequence: splice acceptor variant.
Genome position (GRCh38, 1-based): chr3:50,375,706, C>T on the plus strand (G>A on the coding strand, the complement: CACNA2D2 is on the minus strand). VCF-style: chr3-50375706-C-T. GRCh37 (hg19) VCF-style: chr3-50413137-C-T.
Other names: c.1639-1G>A (NM_001291101.1); c.1846-1G>A (NM_001005505.3, NM_001410768.1, NM_001174051.3).
Identifiers: ClinVar variation 373439 (VCV000373439.3), dbSNP rs1057518420, ClinGen allele CA16042479.

ClinVar aggregate classification (germline): Pathogenic (1 of 4 stars; one submission).

Submission:

GeneDx
Classification: Pathogenic. Last evaluated: 2020-10-08. Review status: criteria provided, single submitter. Criteria: GeneDx Variant Classification Process June 2021. Collection method: clinical testing. Allele origin: germline. Affected: yes.
Comment: Canonical splice site variant in a gene for which loss-of-function is a known mechanism of disease; Not observed in large population cohorts (Lek et al., 2016); Has not been previously published as pathogenic or benign to our knowledge